The following is an entry in ClinVar:

ClinVar aggregate classification (germline): Likely pathogenic. Review status: criteria provided, single submitter (1 of 4 stars). 2 submissions from 2 submitters: Likely pathogenic (1). 1 of the submissions does not count toward it. Last evaluated 2021-04-13.

Conditions:
Nemaline myopathy 2 (NEM2). Also called: Nemaline myopathy 2, autosomal recessive. Identifiers: MedGen C1850569, MONDO:0009725, OMIM 256030.

Allele frequency attached by ClinVar (database versions not stated): gnomAD exomes 0.00001.
gnomAD v4.1: 16 of 1,607,608 alleles (0.001%); highest among the groups gnomAD compares: Non-Finnish European, 0.0014%; no homozygotes.

Submissions (2):

Labcorp Genetics (formerly Invitae), Labcorp
Classification: Likely pathogenic for Nemaline myopathy 2. Last evaluated: 2021-04-13. Review status: criteria provided, single submitter. Criteria: Invitae Variant Classification Sherloc (09022015). Collection method: clinical testing. Allele origin: germline.
Comment: This variant has not been reported in the literature in individuals with NEB-related conditions. ClinVar contains an entry for this variant (Variation ID: 552597). This variant is not present in population databases (ExAC no frequency). This sequence change affects an acceptor splice site in intron 36 of the NEB gene. It is expected to disrupt RNA splicing. Variants that disrupt the donor or acceptor splice site typically lead to a loss of protein function (PMID: 16199547), and loss-of-function variants in NEB are known to be pathogenic (PMID: 25205138). Algorithms developed to predict the effect of sequence changes on RNA splicing suggest that this variant may disrupt the consensus splice site, but this prediction has not been confirmed by published transcriptional studies. In summary, the currently available evidence indicates that the variant is pathogenic, but additional data are needed to prove that conclusively. Therefore, this variant has been classified as Likely Pathogenic.

Counsyl
Classification: Likely pathogenic for Nemaline myopathy 2. Last evaluated: 2017-06-23. Review status: no assertion criteria provided. Collection method: clinical testing. Allele origin: unknown. Not counted in ClinVar's aggregate classification.

Literature cited by the submitters: PubMed 16199547 (cited by Labcorp Genetics (formerly Invitae), Labcorp); PubMed 25205138 (cited by Labcorp Genetics (formerly Invitae), Labcorp).

NM_001164508.2(NEB):c.3988-1G>A

Gene: NEB (nebulin; minus strand). Cytogenetic location: 2q23.3.
Variant type: single nucleotide variant.
Coding change: c.3988-1G>A on transcript NM_001164508.2 (MANE Select); the canonical splice acceptor site of the intron before coding-DNA position 3988, G replaced by A.
Molecular consequence: splice acceptor variant.
Genome position (GRCh38, 1-based): chr2:151,672,681, C>T on the plus strand (G>A on the coding strand, the complement: NEB is on the minus strand). VCF-style: chr2-151672681-C-T. GRCh37 (hg19) VCF-style: chr2-152529195-C-T.
Other names: c.3988-1G>A (NM_004543.5, NM_001164507.2, NM_001271208.2).
Identifiers: ClinVar variation 552597 (VCV000552597.10), dbSNP rs1553517128, ClinGen allele CA348817200.